The following is an entry in ClinVar:

NM_001999.4(FBN2):c.4157A>C (p.Asn1386Thr)

Gene: FBN2 (fibrillin 2; minus strand). Cytogenetic location: 5q23.3.
Variant type: single nucleotide variant.
Coding change: c.4157A>C on transcript NM_001999.4 (MANE Select); coding-DNA position 4157, A replaced by C.
Protein change: p.Asn1386Thr; replaces asparagine 1386 with threonine.
Molecular consequence: missense variant.
Genome position (GRCh38, 1-based): chr5:128,332,977, T>G on the plus strand (A>C on the coding strand, the complement: FBN2 is on the minus strand). VCF-style: chr5-128332977-T-G. GRCh37 (hg19) VCF-style: chr5-127668669-T-G.
Other names: short protein forms N1386T.
Identifiers: ClinVar variation 1805899 (VCV001805899.2), dbSNP rs2479791941, ClinGen allele CA360755056.

ClinVar aggregate classification (germline): Uncertain significance (1 of 4 stars; one submission).

Conditions:
Congenital contractural arachnodactyly (CCA). Also called: BEALS SYNDROME; Arthrogryposis, distal, type 9; Beals-Hecht syndrome. Identifiers: Orphanet 115, MedGen C0220668, MONDO:0007363, OMIM 121050.

Allele frequency attached by ClinVar (database versions not stated): gnomAD exomes below 0.00001.
gnomAD v4.1: 2 of 1,613,588 alleles (0.00012%); highest among the groups gnomAD compares: Non-Finnish European, 0.00017%; no homozygotes.

Submission:

Victorian Clinical Genetics Services, Murdoch Childrens Research Institute
Classification: Uncertain significance for Congenital contractural arachnodactyly. Last evaluated: 2023-07-16. Review status: criteria provided, single submitter. Criteria: ACMG Guidelines, 2015. Collection method: clinical testing. Allele origin: germline. Inheritance: Autosomal dominant inheritance. Affected: yes.
Comment: Based on the classification scheme VCGS_Germline_v1.3.4, this variant is classified as VUS-3B. Following criteria are met: 0105 - The mechanism of disease for this gene is not clearly established. However, dominant negative is a likely mechanism of disease (PMID: 31316167). (I) 0107 - This gene is associated with autosomal dominant disease. There are also rare reports of a severe form of congenital contractural arachnodactyly due to biallelic variants (PMID: 33571691). (I) 0115 - Variants in this gene are known to have variable expressivity. Intrafamilial and interfamilial variability is well reported for this gene (PMID: 20301560). (I) 0200 - Variant is predicted to result in a missense amino acid change from asparagine to threonine. (I) 0251 - This variant is heterozygous. (I) 0301 - Variant is absent from gnomAD (both v2 and v3). (SP) 0501 - Missense variant consistently predicted to be damaging by multiple in silico tools or highly conserved with a major amino acid change. (SP) 0600 - Variant is located in the annotated calcium-binding EGF domain (DECIPHER). (I) 0705 - No comparable missense variants have previous evidence for pathogenicity. (I) 0807 - This variant has no previous evidence of pathogenicity. (I) 0905 - No published segregation evidence has been identified for this variant. (I) 1007 - No published functional evidence has been identified for this variant. (I) 1208 - Inheritance information for this variant is not currently available in this individual. (I) Legend: (SP) - Supporting pathogenic, (I) - Information, (SB) - Supporting benign

Literature cited by the submitters: PubMed 20301560; PubMed 31316167; PubMed 33571691.